The following is an entry in ClinVar:

NM_033380.3(COL4A5):c.2180C>G (p.Pro727Arg)

Gene: COL4A5 (collagen type IV alpha 5 chain; plus strand). Cytogenetic location: Xq22.3.
Variant type: single nucleotide variant.
Coding change: c.2180C>G on transcript NM_033380.3 (MANE Select); coding-DNA position 2180, C replaced by G.
Protein change: p.Pro727Arg; replaces proline 727 with arginine.
Molecular consequence: missense variant.
Genome position (GRCh38, 1-based): chrX:108,602,997, C>G. VCF-style: chrX-108602997-C-G. GRCh37 (hg19) VCF-style: chrX-107846227-C-G.
Other names: c.2180C>G, p.Pro727Arg (NM_000495.5); short protein forms P727R.
Identifiers: ClinVar variation 420339 (VCV000420339.2), dbSNP rs753005152, ClinGen allele CA16621171.

ClinVar aggregate classification (germline): Uncertain significance (1 of 4 stars; one submission).

gnomAD v4.1: 5 of 1,192,549 alleles (0.00042%); highest among the groups gnomAD compares: Non-Finnish European, 0.00057%; no homozygotes.

Submission:

GeneDx
Classification: Uncertain significance. Last evaluated: 2016-07-04. Review status: criteria provided, single submitter. Criteria: GeneDx Variant Classification (06012015). Collection method: clinical testing. Allele origin: germline. Affected: yes.
Comment: The P727R variant in the COL4A5 gene has not been reported previously as a pathogenic variant, nor as a benign variant, to our knowledge. The P727R variant was not observed in approximately 6500 individuals of European and African American ancestry in the NHLBI Exome Sequencing Project, indicating it is not a common benign variant in these populations. The P727R variant is a non-conservative amino acid substitution, which occurs at a position that is conserved across species. In silico analysis is inconsistent in its predictions as to whether or not the variant is damaging to the protein structure/function. Missense variants in nearby residues (G722E, G722R) have been reported in the Human Gene Mutation Database in association with Alport syndrome (Stenson et al., 2014), supporting the functional importance of this region of the protein. We interpret P727R as a variant of uncertain significance.